The following is an entry in ClinVar:

ClinVar aggregate classification (germline): Uncertain significance (1 of 4 stars; one submission).

Conditions:
DICER1-related tumor predisposition. Also called: DICER1 syndrome; DICER1-related pleuropulmonary blastoma cancer predisposition syndrome. Identifiers: Orphanet 284343, MedGen C3839822, MONDO:0100216.

Submission:

Labcorp Genetics (formerly Invitae), Labcorp
Classification: Uncertain significance for DICER1-related tumor predisposition. Last evaluated: 2019-03-28. Review status: criteria provided, single submitter. Criteria: Invitae Variant Classification Sherloc (09022015). Collection method: clinical testing. Allele origin: germline.
Comment: In summary, the available evidence is currently insufficient to determine the role of this variant in disease. Therefore, it has been classified as a Variant of Uncertain Significance. Algorithms developed to predict the effect of missense changes on protein structure and function (SIFT, PolyPhen-2, Align-GVGD) all suggest that this variant is likely to be disruptive, but these predictions have not been confirmed by published functional studies and their clinical significance is uncertain. This variant has not been reported in the literature in individuals with DICER1-related conditions. This variant is not present in population databases (ExAC no frequency). This sequence change replaces arginine with leucine at codon 1358 of the DICER1 protein (p.Arg1358Leu). The arginine residue is highly conserved and there is a moderate physicochemical difference between arginine and leucine.

NM_177438.3(DICER1):c.4073G>T (p.Arg1358Leu)

Gene: DICER1 (dicer 1, ribonuclease III; minus strand). Cytogenetic location: 14q32.13.
Variant type: single nucleotide variant.
Coding change: c.4073G>T on transcript NM_177438.3 (MANE Select); coding-DNA position 4073, G replaced by T.
Protein change: p.Arg1358Leu; replaces arginine 1358 with leucine.
Molecular consequence: missense variant.
Genome position (GRCh38, 1-based): chr14:95,099,913, C>A on the plus strand (G>T on the coding strand, the complement: DICER1 is on the minus strand). VCF-style: chr14-95099913-C-A. GRCh37 (hg19) VCF-style: chr14-95566250-C-A.
Other names: c.4073G>T, p.Arg1358Leu (NM_001195573.1, NM_001271282.3, NM_001291628.2 and 1 more transcripts); short protein forms R1358L.
Identifiers: ClinVar variation 841608 (VCV000841608.11), dbSNP rs780488568, ClinGen allele CA390872251.
Genomic context (GRCh38, chr14:95,099,913, plus strand): 5'-ACAGGGGGATCAAATATTGACACCACCATGCGGCTGGGTAGTCCCTTCTTTTTTCCAAGG[C>A]GATACAGATTACAGTTGCTGACCTTTAGCAGAAAATATTAGGATACTTATCCATAAATGA-3'
Protein context (NP_803187.1, residues 1348-1368): SKKVSNCNLY[Arg1358Leu]LGKKKGLPSR